The following is an entry in ClinVar:

ClinVar aggregate classification (germline): Uncertain significance (1 of 4 stars; one submission).

Conditions:
Bethlem myopathy 1A. Also called: Bethlem myopathy 1; Bethlem Muscular Dystrophy; MYOPATHY, BENIGN CONGENITAL, WITH CONTRACTURES. Identifiers: Orphanet 610, MedGen CN029274, MONDO:0024530, OMIM 158810.

Submission:

Labcorp Genetics (formerly Invitae), Labcorp
Classification: Uncertain significance for Bethlem myopathy 1A. Last evaluated: 2021-05-11. Review status: criteria provided, single submitter. Criteria: Invitae Variant Classification Sherloc (09022015). Collection method: clinical testing. Allele origin: germline.
Comment: This sequence change replaces alanine with aspartic acid at codon 492 of the COL6A1 protein (p.Ala492Asp). The alanine residue is moderately conserved and there is a moderate physicochemical difference between alanine and aspartic acid. This variant is not present in population databases (ExAC no frequency). This variant has not been reported in the literature in individuals with COL6A1-related conditions. Advanced modeling of protein sequence and biophysical properties (such as structural, functional, and spatial information, amino acid conservation, physicochemical variation, residue mobility, and thermodynamic stability) performed at Invitae indicates that this missense variant is not expected to disrupt COL6A1 protein function. In summary, the available evidence is currently insufficient to determine the role of this variant in disease. Therefore, it has been classified as a Variant of Uncertain Significance.

NM_001848.3(COL6A1):c.1475C>A (p.Ala492Asp)

Gene: COL6A1 (collagen type VI alpha 1 chain; plus strand). Cytogenetic location: 21q22.3.
Variant type: single nucleotide variant.
Coding change: c.1475C>A on transcript NM_001848.3 (MANE Select); coding-DNA position 1475, C replaced by A.
Protein change: p.Ala492Asp; replaces alanine 492 with aspartic acid.
Molecular consequence: missense variant.
Genome position (GRCh38, 1-based): chr21:45,997,713, C>A. VCF-style: chr21-45997713-C-A. GRCh37 (hg19) VCF-style: chr21-47417627-C-A.
Other names: short protein forms A492D.
Identifiers: ClinVar variation 1491140 (VCV001491140.8), dbSNP rs117340427, ClinGen allele CA410528695.
Genomic context (GRCh38, chr21:45,997,713, plus strand): 5'-GTCACCATGCTAAGCCTGCTCCCCTCACGCCTCCTCTTCCTCCTCAGGGTGCCAGAGGAG[C>A]CCCAGGACCTGCCGGACCCCCTGGAGACCCGGGGCTGATGGGTGAAAGGGTGAGTGTCCA-3'
Protein context (NP_001839.2, residues 482-502): GPPGSEGARG[Ala492Asp]PGPAGPPGDP